The following is an entry in ClinVar:

NM_001622.4(AHSG):c.949C>T (p.Arg317Cys)

Gene: AHSG (alpha 2-HS glycoprotein; plus strand). Cytogenetic location: 3q27.3.
Variant type: single nucleotide variant.
Coding change: c.949C>T on transcript NM_001622.4 (MANE Select); coding-DNA position 949, C replaced by T.
Protein change: p.Arg317Cys; replaces arginine 317 with cysteine.
Molecular consequence: missense variant.
Genome position (GRCh38, 1-based): chr3:186,620,775, C>T. VCF-style: chr3-186620775-C-T. GRCh37 (hg19) VCF-style: chr3-186338564-C-T.
Other names: c.952C>T, p.Arg318Cys (NM_001354571.2); c.946C>T, p.Arg316Cys (NM_001354572.2); c.865C>T, p.Arg289Cys (NM_001354573.2); short protein forms R318C, R289C, R316C, R317C.
Identifiers: ClinVar variation 780109 (VCV000780109.29), dbSNP rs35457250, ClinGen allele CA2745076.
Genomic context (GRCh38, chr3:186,620,775, plus strand): 5'-TCCCATGTGTTACTGGCAGCTCCTCCAGGACACCAGTTGCACCGGGCGCACTACGACCTG[C>T]GCCACACCTTCATGGGTGTGGTCTCATTGGGGTCACCCTCAGGAGAAGTGTCGCACCCCC-3'
Protein context (NP_001613.2, residues 307-327): HQLHRAHYDL[Arg317Cys]HTFMGVVSLG

ClinVar aggregate classification (germline): Benign/Likely benign. Review status: criteria provided, multiple submitters, no conflicts (2 of 4 stars). 3 submissions from 3 submitters: Benign (2); Likely benign (1). Last evaluated 2026-09-01.

Allele frequency attached by ClinVar (database versions not stated): 1000 Genomes Project 0.00359; 1000 Genomes Project 30x 0.00359; ESP Exome Variant Server 0.00538; TOPMed 0.00605; gnomAD 0.00802 and 0.00821; gnomAD exomes 0.00903 and 0.00942; ExAC 0.00918.
gnomAD v4.1: 14,954 of 1,614,152 alleles (0.93%); highest among the groups gnomAD compares: Non-Finnish European, 0.99%; 111 homozygotes.

Submissions (3):

CeGaT Center for Human Genetics Tuebingen
Classification: Likely benign. Last evaluated: 2026-09-01. Review status: criteria provided, single submitter. Criteria: CeGaT Center For Human Genetics Tuebingen Variant Classification Criteria Version 2. Collection method: clinical testing. Allele origin: germline. Affected: yes. Observed: 3 variant alleles.
Comment: AHSG: PM5, BS2

Labcorp Genetics (formerly Invitae), Labcorp
Classification: Benign. Last evaluated: 2019-12-31. Review status: criteria provided, single submitter. Criteria: Invitae Variant Classification Sherloc (09022015). Collection method: clinical testing. Allele origin: germline.

Breakthrough Genomics
Classification: Benign. Review status: criteria provided, single submitter. Criteria: ACMG Guidelines, 2015. Collection method: not provided. Allele origin: germline. Inheritance: Autosomal recessive inheritance. Affected: yes.